The following is an entry in ClinVar:

NM_000091.5(COL4A3):c.2038G>C (p.Gly680Arg)

Genes: COL4A3 (collagen type IV alpha 3 chain; plus strand), MFF-DT (MFF divergent transcript; minus strand). Cytogenetic location: 2q36.3.
Variant type: single nucleotide variant.
Coding change: c.2038G>C on transcript NM_000091.5 (MANE Select); coding-DNA position 2038, G replaced by C.
Protein change: p.Gly680Arg; replaces glycine 680 with arginine.
Molecular consequence: missense variant.
Genome position (GRCh38, 1-based): chr2:227,277,466, G>C. VCF-style: chr2-227277466-G-C. GRCh37 (hg19) VCF-style: chr2-228142182-G-C.
Other names: short protein forms G680R.
Identifiers: ClinVar variation 3678226 (VCV003678226.2).
Genomic context (GRCh38, chr2:227,277,466, plus strand): 5'-AAAGTTGCTGATGTGGAGATGCATATGTGTATTTGTTTCTAAGGTATCCCTGGATCCCTG[G>C]GGAAATGTGGAGATCCTGGTCTTCCAGGGCCTGATGGTGAACCAGGAATTCCAGGAATTG-3'
Protein context (NP_000082.2, residues 670-690): QGPPGIPGSL[Gly680Arg]KCGDPGLPGP

ClinVar aggregate classification (germline): Uncertain significance (1 of 4 stars; one submission).

Submission:

Labcorp Genetics (formerly Invitae), Labcorp
Classification: Uncertain significance. Last evaluated: 2025-06-12. Review status: criteria provided, single submitter. Criteria: Invitae Variant Classification Sherloc (09022015). Collection method: clinical testing. Allele origin: germline.
Comment: This sequence change replaces glycine, which is neutral and non-polar, with arginine, which is basic and polar, at codon 680 of the COL4A3 protein (p.Gly680Arg). This variant is not present in population databases (gnomAD no frequency). This variant has not been reported in the literature in individuals affected with COL4A3-related conditions. ClinVar contains an entry for this variant (Variation ID: 3678226). Invitae Evidence Modeling of protein sequence and biophysical properties (such as structural, functional, and spatial information, amino acid conservation, physicochemical variation, residue mobility, and thermodynamic stability) indicates that this missense variant is expected to disrupt COL4A3 protein function with a positive predictive value of 80%. In summary, the available evidence is currently insufficient to determine the role of this variant in disease. Therefore, it has been classified as a Variant of Uncertain Significance.